The following is an entry in ClinVar:

ClinVar aggregate classification (germline): Uncertain significance. Review status: criteria provided, multiple submitters, no conflicts (2 of 4 stars). 2 submissions from 2 submitters: Uncertain significance (2). Last evaluated 2022-05-03.

Conditions:
Inborn genetic diseases. Identifiers: MedGen C0950123, MeSH D030342.

Allele frequency attached by ClinVar (database versions not stated): gnomAD 0.00001; TOPMed 0.00001; gnomAD exomes 0.00002; ExAC 0.00006.
gnomAD v4.1: 35 of 1,613,974 alleles (0.0022%); highest among the groups gnomAD compares: Admixed American, 0.0067%; no homozygotes.

Submissions (2):

Labcorp Genetics (formerly Invitae), Labcorp
Classification: Uncertain significance. Last evaluated: 2022-05-03. Review status: criteria provided, single submitter. Criteria: Invitae Variant Classification Sherloc (09022015). Collection method: clinical testing. Allele origin: germline.
Comment: In summary, the available evidence is currently insufficient to determine the role of this variant in disease. Therefore, it has been classified as a Variant of Uncertain Significance. This sequence change replaces glutamic acid, which is acidic and polar, with alanine, which is neutral and non-polar, at codon 696 of the ERBB4 protein (p.Glu696Ala). This variant is present in population databases (rs747647671, gnomAD 0.02%). This variant has not been reported in the literature in individuals affected with ERBB4-related conditions. Algorithms developed to predict the effect of missense changes on protein structure and function are either unavailable or do not agree on the potential impact of this missense change (SIFT: "Deleterious"; PolyPhen-2: "Possibly Damaging"; Align-GVGD: "Class C0").

Ambry Genetics
Classification: Uncertain significance for Inborn genetic diseases. Last evaluated: 2021-08-09. Review status: criteria provided, single submitter. Criteria: Ambry Variant Classification Scheme 2023. Collection method: clinical testing. Allele origin: germline.

NM_005235.3(ERBB4):c.2087A>C (p.Glu696Ala)

Gene: ERBB4 (erb-b2 receptor tyrosine kinase 4; minus strand). Cytogenetic location: 2q34.
Variant type: single nucleotide variant.
Coding change: c.2087A>C on transcript NM_005235.3 (MANE Select); coding-DNA position 2087, A replaced by C.
Protein change: p.Glu696Ala; replaces glutamic acid 696 with alanine.
Molecular consequence: missense variant.
Genome position (GRCh38, 1-based): chr2:211,624,037, T>G on the plus strand (A>C on the coding strand, the complement: ERBB4 is on the minus strand). VCF-style: chr2-211624037-T-G. GRCh37 (hg19) VCF-style: chr2-212488762-T-G.
Other names: c.2087A>C, p.Glu696Ala (NM_001042599.2); short protein forms E696A.
Identifiers: ClinVar variation 2193156 (VCV002193156.5), dbSNP rs747647671, ClinGen allele CA2087843.